The following is an entry in ClinVar:

NM_001289125.3(IFNAR2):c.311del (p.Glu104fs)

Genes: IFNAR2 (interferon alpha and beta receptor subunit 2; plus strand), IFNAR2-IL10RB (IFNAR2-IL10RB readthrough; plus strand). Cytogenetic location: 21q22.11.
Variant type: Deletion.
Coding change: c.311del on transcript NM_001289125.3 (MANE Select); coding-DNA position 311, one base deleted (A; older notation c.311delA).
Protein change: p.Glu104fs; shifts the reading frame from glutamic acid 104.
Molecular consequence: frameshift variant.
Genome position (GRCh38, 1-based): chr21:33,246,807, A deleted. VCF-style (leftmost placement, unchanged base first): chr21-33246806-GA-G. GRCh37 (hg19) VCF-style: chr21-34619111-GA-G.
Other names: c.311del, p.Glu104fs (NM_000874.5, NM_001289126.2, NM_001289128.2 and 4 more transcripts); short protein forms E104fs.
Identifiers: ClinVar variation 218160 (VCV000218160.7), dbSNP rs775739391, ClinGen allele CA210647.

ClinVar aggregate classification (germline): Pathogenic/Likely pathogenic. Review status: criteria provided, multiple submitters, no conflicts (2 of 4 stars). 3 submissions from 3 submitters: Pathogenic (1); Likely pathogenic (1). 1 of the submissions does not count toward it. Last evaluated 2023-05-13.

Conditions:
IFNAR2-related disorders.
Immunodeficiency 45 (IMD45). Identifiers: MedGen C4225252, MONDO:0014727, OMIM 616669.

Allele frequency attached by ClinVar (database versions not stated): gnomAD 0.00001; ExAC 0.00002; gnomAD exomes 0.00002 and 0.00003; TOPMed 0.00002.

Submissions (3):

Labcorp Genetics (formerly Invitae), Labcorp
Classification: Pathogenic. Last evaluated: 2023-05-13. Review status: criteria provided, single submitter. Criteria: Invitae Variant Classification Sherloc (09022015). Collection method: clinical testing. Allele origin: germline.
Comment: This sequence change creates a premature translational stop signal (p.Glu104Glyfs*7) in the IFNAR2 gene. It is expected to result in an absent or disrupted protein product. Loss-of-function variants in IFNAR2 are known to be pathogenic (PMID: 26424569, 33193576). This variant is present in population databases (rs775739391, gnomAD 0.009%). This premature translational stop signal has been observed in individual(s) with IFNAR2 deficiency (PMID: 26424569). ClinVar contains an entry for this variant (Variation ID: 218160). For these reasons, this variant has been classified as Pathogenic.

Blueprint Genetics
Classification: Likely pathogenic for IFNAR2-related disorders. Last evaluated: 2021-08-30. Review status: criteria provided, single submitter. Criteria: ACMG Guidelines, 2015. Collection method: clinical testing. Allele origin: germline. Affected: yes. Observed: 2 variant alleles.

OMIM
Classification: Pathogenic for IMMUNODEFICIENCY 45. Last evaluated: 2015-09-30. Review status: no assertion criteria provided. Collection method: literature only. Allele origin: germline. Not counted in ClinVar's aggregate classification.

Literature cited by the submitters: PubMed 26424569 (cited by Labcorp Genetics (formerly Invitae), Labcorp and OMIM); PubMed 33193576 (cited by Labcorp Genetics (formerly Invitae), Labcorp).